The following is an entry in ClinVar:

NM_025114.4(CEP290):c.7246T>C (p.Phe2416Leu)

Genes: CEP290 (centrosomal protein 290; minus strand), RLIG1 (RNA 5'-phosphate and 3'-OH ligase 1; plus strand). Cytogenetic location: 12q21.32.
Variant type: single nucleotide variant.
Coding change: c.7246T>C on transcript NM_025114.4 (MANE Select); coding-DNA position 7246, T replaced by C.
Protein change: p.Phe2416Leu; replaces phenylalanine 2416 with leucine.
Molecular consequence: missense variant. On other transcripts: 3 prime UTR variant (1).
Genome position (GRCh38, 1-based): chr12:88,049,378, A>G on the plus strand (T>C on the coding strand, the complement: CEP290 is on the minus strand). VCF-style: chr12-88049378-A-G. GRCh37 (hg19) VCF-style: chr12-88443155-A-G.
Other names: c.*956A>G (NM_001009894.3); short protein forms F2416L.
Identifiers: ClinVar variation 4986127 (VCV004986127.1).

ClinVar aggregate classification (germline): Uncertain significance (1 of 4 stars; one submission).

Conditions:
CEP290-related disorder. Also called: CEP290-related disorders; CEP290-related condition. Identifiers: MedGen CN239314.

gnomAD v4.1: 10 of 1,546,548 alleles (0.00065%); highest among the groups gnomAD compares: South Asian, 0.012%; no homozygotes.

Submission:

PreventionGenetics, part of Exact Sciences
Classification: Uncertain significance for CEP290-related condition. Last evaluated: 2024-11-14. Review status: criteria provided, single submitter. Criteria: ACMG Guidelines, 2015. Collection method: clinical testing. Allele origin: germline.
Comment: The CEP290 c.7246T>C variant is predicted to result in the amino acid substitution p.Phe2416Leu. To our knowledge, this variant has not been reported in the literature or in a large population database (gnomAD), indicating this variant is rare. At this time, the clinical significance of this variant is uncertain due to the absence of conclusive functional and genetic evidence.